The following is an entry in ClinVar:

NC_000004.11:g.(?_5567008)_(5587839_?)dup

Gene: EVC2 (EvC ciliary complex subunit 2; minus strand). Cytogenetic location: 4p16.2.
Variant type: Duplication.
Identifiers: ClinVar variation 1347093 (VCV001347093.3).

ClinVar aggregate classification (germline): Likely pathogenic (1 of 4 stars; one submission).

Conditions:
Ellis-van Creveld syndrome (EVC). Also called: Chondroectodermal dysplasia; EVC-Related Ellis-van Creveld Syndrome; EVC2-Related Ellis-van Creveld Syndrome; MESOECTODERMAL DYSPLASIA. Identifiers: Orphanet 289, MedGen C0013903, MONDO:0009162, OMIM 225500.
Curry-Hall syndrome (WAD). Also called: WEYERS ACRODENTAL DYSOSTOSIS. Identifiers: Orphanet 952, MedGen C0457013, MONDO:0008673, OMIM 193530.

Submission:

Labcorp Genetics (formerly Invitae), Labcorp
Classification: Likely pathogenic for Curry-Hall syndrome; Ellis-van Creveld syndrome. Last evaluated: 2021-04-01. Review status: criteria provided, single submitter. Criteria: Invitae Variant Classification Sherloc (09022015). Collection method: clinical testing. Allele origin: germline.
Comment: In summary, the currently available evidence indicates that the variant is pathogenic, but additional data are needed to prove that conclusively. Therefore, this variant has been classified as Likely Pathogenic. This variant has not been reported in the literature in individuals with EVC2-related conditions. This variant results in a copy number gain of the genomic region encompassing exon(s) 17-20 of the EVC2 gene. While the exact position of this variant cannot be determined from the data, sub-genic copy number gains are generally in tandem (PMID: 25640679). This variant is predicted to be out-of-frame, and may result in an absent or disrupted protein product. Loss-of-function variants in EVC2 are known to be pathogenic (PMID: 17024374, 19810119, 19876929).

Literature cited by the submitters: PubMed 25640679; PubMed 17024374; PubMed 19810119; PubMed 19876929.